The following is an entry in ClinVar:

NM_001369.3(DNAH5):c.10473dup (p.Leu3492fs)

Gene: DNAH5 (dynein axonemal heavy chain 5; minus strand). Cytogenetic location: 5p15.2.
Variant type: Duplication.
Coding change: c.10473dup on transcript NM_001369.3 (MANE Select); coding-DNA position 10473, one base duplicated (G; older notation c.10473dupG).
Protein change: p.Leu3492fs; shifts the reading frame from leucine 3492.
Molecular consequence: frameshift variant.
Genome position (GRCh38, 1-based): chr5:13,754,285, C duplicated on the plus strand (G on the coding strand, the reverse complement: DNAH5 is on the minus strand). VCF-style (leftmost placement, unchanged base first): chr5-13754284-G-GC. GRCh37 (hg19) VCF-style: chr5-13754393-G-GC.
Other names: short protein forms L3492fs.
Identifiers: ClinVar variation 3613997 (VCV003613997.2).

ClinVar aggregate classification (germline): Pathogenic (1 of 4 stars; one submission).

Conditions:
Primary ciliary dyskinesia. Also called: Ciliary dyskinesia. Identifiers: Orphanet 244, MedGen C0008780, MONDO:0016575, HP:0012265.

Submission:

Labcorp Genetics (formerly Invitae), Labcorp
Classification: Pathogenic for Primary ciliary dyskinesia. Last evaluated: 2024-04-16. Review status: criteria provided, single submitter. Criteria: Invitae Variant Classification Sherloc (09022015). Collection method: clinical testing. Allele origin: germline.
Comment: This sequence change creates a premature translational stop signal (p.Leu3492Alafs*8) in the DNAH5 gene. It is expected to result in an absent or disrupted protein product. Loss-of-function variants in DNAH5 are known to be pathogenic (PMID: 11788826, 16627867). This variant is not present in population databases (gnomAD no frequency). This variant has not been reported in the literature in individuals affected with DNAH5-related conditions. For these reasons, this variant has been classified as Pathogenic.

Literature cited by the submitters: PubMed 11788826; PubMed 16627867.